The following is an entry in ClinVar:

NM_177402.5(SYT2):c.161A>T (p.Glu54Val)

Gene: SYT2 (synaptotagmin 2; minus strand). Cytogenetic location: 1q32.1.
Variant type: single nucleotide variant.
Coding change: c.161A>T on transcript NM_177402.5 (MANE Select); coding-DNA position 161, A replaced by T.
Protein change: p.Glu54Val; replaces glutamic acid 54 with valine.
Molecular consequence: missense variant.
Genome position (GRCh38, 1-based): chr1:202,605,612, T>A on the plus strand (A>T on the coding strand, the complement: SYT2 is on the minus strand). VCF-style: chr1-202605612-T-A. GRCh37 (hg19) VCF-style: chr1-202574740-T-A.
Other names: c.161A>T, p.Glu54Val (NM_001136504.1); short protein forms E54V.
Identifiers: ClinVar variation 4722993 (VCV004722993.1).
Genomic context (GRCh38, chr1:202,605,612, plus strand): 5'-ACTCTAGCCTTGCCCCACCCTCTCAGCCACCAGAGACACTCACAGGGAATCTTGTTTATC[T>A]CATTGAATAACTTCTCCTTCAGTTTGGCAAACATGTCCTCCTGGCTCTCCCCAGCACCCC-3'
Protein context (NP_796376.2, residues 44-64): FAKLKEKLFN[Glu54Val]INKIPLPPWA

ClinVar aggregate classification (germline): Uncertain significance (1 of 4 stars; one submission).

gnomAD v4.1: 1 of 1,613,876 alleles (0.000062%); highest among the groups gnomAD compares: African/African-American, 0.0013%; no homozygotes.

Submission:

Labcorp Genetics (formerly Invitae), Labcorp
Classification: Uncertain significance. Last evaluated: 2025-07-10. Review status: criteria provided, single submitter. Criteria: Invitae Variant Classification Sherloc (09022015). Collection method: clinical testing. Allele origin: germline.
Comment: This sequence change replaces glutamic acid, which is acidic and polar, with valine, which is neutral and non-polar, at codon 54 of the SYT2 protein (p.Glu54Val). This variant is not present in population databases (gnomAD no frequency). This variant has not been reported in the literature in individuals affected with SYT2-related conditions. An algorithm developed to predict the effect of missense changes on protein structure and function (PolyPhen-2) suggests that this variant is likely to be tolerated. In summary, the available evidence is currently insufficient to determine the role of this variant in disease. Therefore, it has been classified as a Variant of Uncertain Significance.